The following is an entry in ClinVar:

NM_139343.3(BIN1):c.1132-186G>A

Gene: BIN1 (bridging integrator 1; minus strand). Cytogenetic location: 2q14.3.
Variant type: single nucleotide variant.
Coding change: c.1132-186G>A on transcript NM_139343.3 (MANE Select); 186 bases into the intron before coding-DNA position 1132, G replaced by A.
Molecular consequence: intron variant.
Genome position (GRCh38, 1-based): chr2:127,054,198, C>T on the plus strand (G>A on the coding strand, the complement: BIN1 is on the minus strand). VCF-style: chr2-127054198-C-T. GRCh37 (hg19) VCF-style: chr2-127811774-C-T.
Other names: c.1051-186G>A (NM_001320642.1); c.838-3286G>A (NM_001320634.1); c.910-3286G>A (NM_139351.3); c.910-2955G>A (NM_139350.3); c.910-1836G>A (NM_139349.3); c.1039-2955G>A (NM_139348.3); c.1039-1836G>A (NM_139347.3); c.1039-186G>A (NM_001320641.2); and 7 more.
Identifiers: ClinVar variation 680266 (VCV000680266.2), dbSNP rs79527490, ClinGen allele CA11125916.
Genomic context (GRCh38, chr2:127,054,198, plus strand): 5'-AGAGCAAGCGCACATACACGCACACACGCTGGCACACAGCCCAGGCACCAACTCATCCAC[C>T]TCACACACGGGAGCACTGCCCAAAGCCACGCGCCCCGGCACAGGCTCCCGCCCACACCAG-3'

ClinVar aggregate classification (germline): Benign. Review status: criteria provided, multiple submitters, no conflicts (2 of 4 stars). 2 submissions from 2 submitters: Benign (2). Last evaluated 2018-06-16.

Allele frequency attached by ClinVar (database versions not stated): 1000 Genomes Project 30x 0.07698; 1000 Genomes Project 0.07927; TOPMed 0.09685; gnomAD 0.10608 and 0.10795; gnomAD exomes 0.11218.
gnomAD v4.1: 70,622 of 640,008 alleles (11%); highest among the groups gnomAD compares: Non-Finnish European, 13%; 4,360 homozygotes.

Submissions (2):

GeneDx
Classification: Benign. Last evaluated: 2018-06-16. Review status: criteria provided, single submitter. Criteria: GeneDx Variant Classification (06012015). Collection method: clinical testing. Allele origin: germline. Affected: yes.
Comment: This variant is considered likely benign or benign based on one or more of the following criteria: it is a conservative change, it occurs at a poorly conserved position in the protein, it is predicted to be benign by multiple in silico algorithms, and/or has population frequency not consistent with disease.

Breakthrough Genomics
Classification: Benign. Review status: criteria provided, single submitter. Criteria: ACMG Guidelines, 2015. Collection method: not provided. Allele origin: germline. Inheritance: Autosomal recessive inheritance. Affected: yes.